The following is an entry in ClinVar:

ClinVar aggregate classification (germline): Pathogenic (1 of 4 stars; one submission).

Conditions:
Cernunnos-XLF deficiency (IMD124). Also called: NHEJ1 SYNDROME; SCID, AUTOSOMAL RECESSIVE, T CELL-NEGATIVE, B CELL-NEGATIVE, NK CELL-POSITIVE, WITH MICROCEPHALY, GROWTH RETARDATION, AND SENSITIVITY TO IONIZING RADIATION; Severe combined immunodeficiency with sensitivity to ionizing radiation due to NHEJ1 deficiency; SCID, autosomal recessive, T cell-negative, B cell-negative, NK cell-positive, and sensitivity to ionizing radiation due to NHEJ1 deficiency; IMMUNODEFICIENCY 124, SEVERE COMBINED. Identifiers: Orphanet 169079, MedGen C1969799, MONDO:0012650, OMIM 611291.

Submission:

Labcorp Genetics (formerly Invitae), Labcorp
Classification: Pathogenic for Cernunnos-XLF deficiency. Last evaluated: 2026-01-14. Review status: criteria provided, single submitter. Criteria: Invitae Variant Classification Sherloc (09022015). Collection method: clinical testing. Allele origin: germline.
Comment: This sequence change creates a premature translational stop signal (p.Gln11*) in the NHEJ1 gene. It is expected to result in an absent or disrupted protein product. Loss-of-function variants in NHEJ1 are known to be pathogenic (PMID: 16439204, 20597108). This variant is not present in population databases (gnomAD no frequency). This variant has not been reported in the literature in individuals affected with NHEJ1-related conditions. For these reasons, this variant has been classified as Pathogenic.

Literature cited by the submitters: PubMed 16439204; PubMed 20597108.

NM_024782.3(NHEJ1):c.31C>T (p.Gln11Ter)

Gene: NHEJ1 (non-homologous end joining factor 1; minus strand). Cytogenetic location: 2q35.
Variant type: single nucleotide variant.
Coding change: c.31C>T on transcript NM_024782.3 (MANE Select); coding-DNA position 31, C replaced by T.
Protein change: p.Gln11Ter; replaces glutamine 11 with a stop codon.
Molecular consequence: nonsense. On other transcripts: non-coding transcript variant (1).
Genome position (GRCh38, 1-based): chr2:219,158,332, G>A on the plus strand (C>T on the coding strand, the complement: NHEJ1 is on the minus strand). VCF-style: chr2-219158332-G-A. GRCh37 (hg19) VCF-style: chr2-220023054-G-A.
Other names: c.31C>T, p.Gln11Ter (NM_001377498.1, NM_001377499.1); short protein forms Q11*.
Identifiers: ClinVar variation 4735399 (VCV004735399.1).